The following is an entry in ClinVar:

NM_001200049.3(CFAP46):c.4389C>T (p.His1463=)

Gene: CFAP46 (cilia and flagella associated protein 46; minus strand). Cytogenetic location: 10q26.3.
Variant type: single nucleotide variant.
Coding change: c.4389C>T on transcript NM_001200049.3 (MANE Select); coding-DNA position 4389, C replaced by T.
Protein change: p.His1463=; no amino-acid change (histidine 1463 retained).
Molecular consequence: synonymous variant.
Genome position (GRCh38, 1-based): chr10:132,872,798, G>A on the plus strand (C>T on the coding strand, the complement: CFAP46 is on the minus strand). VCF-style: chr10-132872798-G-A. GRCh37 (hg19) VCF-style: chr10-134686302-G-A.
Identifiers: ClinVar variation 2640985 (VCV002640985.24), dbSNP rs950640282, ClinGen allele CA216775102.

ClinVar aggregate classification (germline): Likely benign (1 of 4 stars; one submission).

Allele frequency attached by ClinVar (database versions not stated): gnomAD 0.00002; TOPMed 0.00005; gnomAD exomes 0.00007.
gnomAD v4.1: 95 of 1,550,984 alleles (0.0061%); highest among the groups gnomAD compares: Middle Eastern, 0.1%; no homozygotes.

Submission:

CeGaT Center for Human Genetics Tuebingen
Classification: Likely benign. Last evaluated: 2022-10-01. Review status: criteria provided, single submitter. Criteria: CeGaT Center For Human Genetics Tuebingen Variant Classification Criteria Version 2. Collection method: clinical testing. Allele origin: germline. Affected: yes. Observed: 1 variant allele.
Comment: CFAP46: BP4, BP7